The following is an entry in ClinVar:

NM_001365536.1(SCN9A):c.1709T>C (p.Phe570Ser)

Genes: SCN9A (sodium voltage-gated channel alpha subunit 9; minus strand), SCN1A-AS1 (SCN1A and SCN9A antisense RNA 1; plus strand). Cytogenetic location: 2q24.3.
Variant type: single nucleotide variant.
Coding change: c.1709T>C on transcript NM_001365536.1 (MANE Select); coding-DNA position 1709, T replaced by C.
Protein change: p.Phe570Ser; replaces phenylalanine 570 with serine.
Molecular consequence: missense variant.
Genome position (GRCh38, 1-based): chr2:166,284,718, A>G on the plus strand (T>C on the coding strand, the complement: SCN9A is on the minus strand). VCF-style: chr2-166284718-A-G. GRCh37 (hg19) VCF-style: chr2-167141228-A-G.
Other names: c.1709T>C, p.Phe570Ser (NM_002977.4); short protein forms F570S.
Identifiers: ClinVar variation 2186929 (VCV002186929.4), dbSNP rs202237830, ClinGen allele CA1944445.
Genomic context (GRCh38, chr2:166,284,718, plus strand): 5'-ACAAACAGTGAGCCCCTTCTGCTCTCATTGTCTCCAAAAATGCTGTGCTCATCATCGGCA[A>G]ATTCAGTCTCAGATCCTATATCTCTTCCTCTGCCTTTGAAACTAAAAAGACTTGTTCTGC-3'
Protein context (NP_001352465.1, residues 560-580): RGRDIGSETE[Phe570Ser]ADDEHSIFGD

ClinVar aggregate classification (germline): Uncertain significance (1 of 4 stars; one submission).

Conditions:
Neuropathy, hereditary sensory and autonomic, type 2A (HSAN2A). Also called: WNK1-Related HSAN2 (HSAN2A); MORVAN DISEASE; NEUROPATHY, CONGENITAL SENSORY; NEUROPATHY, HEREDITARY SENSORY RADICULAR, AUTOSOMAL RECESSIVE; NEUROPATHY, HEREDITARY SENSORY, TYPE IIA; NEUROPATHY, PROGRESSIVE SENSORY, OF CHILDREN. Identifiers: Orphanet 970, MedGen C2752089, MONDO:0024309, OMIM 201300.
Generalized epilepsy with febrile seizures plus, type 7 (GEFSP7). Also called: GEFS+, TYPE 7. Identifiers: Orphanet 36387, MedGen C2751778, MONDO:0013470, OMIM 613863.

Allele frequency attached by ClinVar (database versions not stated): gnomAD exomes below 0.00001; ExAC 0.00001.
gnomAD v4.1: 3 of 1,613,976 alleles (0.00019%); highest among the groups gnomAD compares: Non-Finnish European, 0.00017%; no homozygotes.

Submission:

Labcorp Genetics (formerly Invitae), Labcorp
Classification: Uncertain significance for Neuropathy, hereditary sensory and autonomic, type 2A; Generalized epilepsy with febrile seizures plus, type 7. Last evaluated: 2025-04-08. Review status: criteria provided, single submitter. Criteria: Invitae Variant Classification Sherloc (09022015). Collection method: clinical testing. Allele origin: germline.
Comment: This sequence change replaces phenylalanine, which is neutral and non-polar, with serine, which is neutral and polar, at codon 570 of the SCN9A protein (p.Phe570Ser). This variant is present in population databases (rs202237830, gnomAD 0.0009%). This variant has not been reported in the literature in individuals affected with SCN9A-related conditions. ClinVar contains an entry for this variant (Variation ID: 2186929). Invitae Evidence Modeling of protein sequence and biophysical properties (such as structural, functional, and spatial information, amino acid conservation, physicochemical variation, residue mobility, and thermodynamic stability) indicates that this missense variant is not expected to disrupt SCN9A protein function with a negative predictive value of 95%. In summary, the available evidence is currently insufficient to determine the role of this variant in disease. Therefore, it has been classified as a Variant of Uncertain Significance.